The following is an entry in ClinVar:

NM_001374736.1(DST):c.11980T>C (p.Leu3994=)

Gene: DST (dystonin; minus strand). Cytogenetic location: 6p12.1.
Variant type: single nucleotide variant.
Coding change: c.11980T>C on transcript NM_001374736.1 (MANE Select); coding-DNA position 11980, T replaced by C.
Protein change: p.Leu3994=; no amino-acid change (leucine 3994 retained).
Molecular consequence: synonymous variant.
Genome position (GRCh38, 1-based): chr6:56,597,955, A>G on the plus strand (T>C on the coding strand, the complement: DST is on the minus strand). VCF-style: chr6-56597955-A-G. GRCh37 (hg19) VCF-style: chr6-56462753-A-G.
Other names: c.5623T>C, p.Leu1875= (NM_001144769.5); c.5209T>C, p.Leu1737= (NM_001144770.2); c.11980T>C, p.Leu3994= (NM_001374722.1); c.11347T>C, p.Leu3783= (NM_001374729.1); c.5089T>C, p.Leu1697= (NM_001374730.1, NM_001386100.1, NM_183380.4); c.12007T>C, p.Leu4003= (NM_001374734.1); c.4111T>C, p.Leu1371= (NM_015548.5); c.5623T>C (NM_001144769.2).
Identifiers: ClinVar variation 1555892 (VCV001555892.9), dbSNP rs372499813, ClinGen allele CA3868543.

ClinVar aggregate classification (germline): Likely benign. Review status: criteria provided, multiple submitters, no conflicts (2 of 4 stars). 2 submissions from 2 submitters: Likely benign (2). Last evaluated 2026-07-09.

Conditions:
DST-related disorder. Also called: DST-related disorders; DST-related condition.
Epidermolysis bullosa simplex 3, localized or generalized intermediate, with BP230 deficiency (EBS3). Also called: Epidermolysis bullosa simplex, autosomal recessive 2; Epidermolysis bullosa simplex due to BP230 deficiency. Identifiers: Orphanet 412181, MedGen C3809470, MONDO:0014180, OMIM 615425.
Hereditary sensory and autonomic neuropathy type 6. Also called: HSAN VI; Neuropathy, hereditary sensory and autonomic, type VI. Identifiers: Orphanet 314381, MedGen C3539003, MONDO:0013839, OMIM 614653.

Allele frequency attached by ClinVar (database versions not stated): TOPMed 0.00001; gnomAD 0.00002; gnomAD exomes 0.00002 and 0.00005; ExAC 0.00003; ESP Exome Variant Server 0.00008.
gnomAD v4.1: 72 of 1,612,374 alleles (0.0045%); highest among the groups gnomAD compares: Non-Finnish European, 0.0059%; no homozygotes.

Submissions (2):

PreventionGenetics, part of Exact Sciences
Classification: Likely benign for DST-related condition. Last evaluated: 2026-07-09. Review status: criteria provided, single submitter. Criteria: ACMG Guidelines, 2015. Collection method: clinical testing. Allele origin: germline.
Comment: This variant is classified as likely benign based on ACMG/AMP sequence variant interpretation guidelines (Richards et al. 2015 PMID: 25741868, with internal and published modifications).

Labcorp Genetics (formerly Invitae), Labcorp
Classification: Likely benign for Epidermolysis bullosa simplex 3, localized or generalized intermediate, with BP230 deficiency; Hereditary sensory and autonomic neuropathy type 6. Last evaluated: 2021-06-27. Review status: criteria provided, single submitter. Criteria: Invitae Variant Classification Sherloc (09022015). Collection method: clinical testing. Allele origin: germline.